The following is an entry in ClinVar:

NM_001386140.1(MTTP):c.154C>T (p.Gln52Ter)

Gene: MTTP (microsomal triglyceride transfer protein; plus strand). Cytogenetic location: 4q23.
Variant type: single nucleotide variant.
Coding change: c.154C>T on transcript NM_001386140.1 (MANE Select); coding-DNA position 154, C replaced by T.
Protein change: p.Gln52Ter; replaces glutamine 52 with a stop codon.
Molecular consequence: nonsense. On other transcripts: 5 prime UTR variant (1).
Genome position (GRCh38, 1-based): chr4:99,581,997, C>T. VCF-style: chr4-99581997-C-T. GRCh37 (hg19) VCF-style: chr4-100503154-C-T.
Other names: c.154C>T, p.Gln52Ter (NM_000253.4); c.-96C>T (NM_001300785.2); short protein forms Q52*.
Identifiers: ClinVar variation 5010663 (VCV005010663.1).

ClinVar aggregate classification (germline): Pathogenic (1 of 4 stars; one submission).

Conditions:
Abetalipoproteinaemia (ABL). Also called: MTP DEFICIENCY; Abetalipoproteinemia; Abetalipoproteinemia neuropathy; Apolipoprotein B deficiency; Congenital betalipoprotein deficiency syndrome. Identifiers: Orphanet 14, MedGen C0000744, MONDO:0008692, OMIM 200100, HP:0008181.

Submission:

Myriad Genetics, Inc.
Classification: Pathogenic for Abetalipoproteinaemia. Last evaluated: 2024-05-14. Review status: criteria provided, single submitter. Criteria: Myriad Autosomal Dominant, Autosomal Recessive and X-Linked Classification Criteria (2023). Collection method: clinical testing. Allele origin: unknown.
Comment: NM_000253.2(MTTP):c.154C>T(Q52*) is expected to be pathogenic in the context of abetalipoproteinemia. This variant is predicted to lead to an abnormal or absent protein product due to the creation of a premature termination codon in MTTP, a gene where loss-of-function variants are known to be pathogenic. Please note: this variant was assessed in the context of healthy population screening.